The following is an entry in ClinVar:

NM_020937.4(FANCM):c.2803A>G (p.Ser935Gly)

Gene: FANCM (FA complementation group M; plus strand). Cytogenetic location: 14q21.2.
Variant type: single nucleotide variant.
Coding change: c.2803A>G on transcript NM_020937.4 (MANE Select); coding-DNA position 2803, A replaced by G.
Protein change: p.Ser935Gly; replaces serine 935 with glycine.
Molecular consequence: missense variant.
Genome position (GRCh38, 1-based): chr14:45,175,557, A>G. VCF-style: chr14-45175557-A-G. GRCh37 (hg19) VCF-style: chr14-45644760-A-G.
Other names: c.2725A>G, p.Ser909Gly (NM_001308133.2); short protein forms S909G, S935G.
Identifiers: ClinVar variation 4871126 (VCV004871126.1).

ClinVar aggregate classification (germline): Uncertain significance (1 of 4 stars; one submission).

Conditions:
Inborn genetic diseases. Identifiers: MedGen C0950123, MeSH D030342.

gnomAD v4.1: 3 of 1,613,120 alleles (0.00019%); highest among the groups gnomAD compares: Non-Finnish European, 0.00025%; no homozygotes.

Submission:

Ambry Genetics
Classification: Uncertain significance for Inborn genetic diseases. Last evaluated: 2026-05-14. Review status: criteria provided, single submitter. Criteria: Ambry Variant Classification Scheme 2023. Collection method: clinical testing. Allele origin: germline.
Comment: The p.S935G variant (also known as c.2803A>G), located in coding exon 14 of the FANCM gene, results from an A to G substitution at nucleotide position 2803. The serine at codon 935 is replaced by glycine, an amino acid with similar properties. This amino acid position is conserved. In addition, this alteration is predicted to be tolerated by in silico analysis. Based on the available evidence, the clinical significance of this variant remains unclear.